The following is an entry in ClinVar:

ClinVar aggregate classification (germline): Uncertain significance (1 of 4 stars; one submission).

Conditions:
Developmental and epileptic encephalopathy, 9 (DEE9). Also called: JUBERG-HELLMAN SYNDROME; Early infantile epileptic encephalopathy 9; PCDH19-Related X-Linked Female-Limited Epilepsy with Mental Retardation; EPILEPSY, FEMALE-RESTRICTED, WITH MENTAL RETARDATION. Identifiers: Orphanet 101039, Orphanet 2076, MedGen C1848137, MONDO:0010246, OMIM 300088. Disease mechanism: loss of function.

Submission:

Labcorp Genetics (formerly Invitae), Labcorp
Classification: Uncertain significance for Developmental and epileptic encephalopathy, 9. Last evaluated: 2024-01-03. Review status: criteria provided, single submitter. Criteria: Invitae Variant Classification Sherloc (09022015). Collection method: clinical testing. Allele origin: germline.
Comment: This sequence change replaces proline, which is neutral and non-polar, with serine, which is neutral and polar, at codon 265 of the PCDH19 protein (p.Pro265Ser). This variant is not present in population databases (gnomAD no frequency). This variant has not been reported in the literature in individuals affected with PCDH19-related conditions. Advanced modeling of protein sequence and biophysical properties (such as structural, functional, and spatial information, amino acid conservation, physicochemical variation, residue mobility, and thermodynamic stability) has been performed at Invitae for this missense variant, however the output from this modeling did not meet the statistical confidence thresholds required to predict the impact of this variant on PCDH19 protein function. In summary, the available evidence is currently insufficient to determine the role of this variant in disease. Therefore, it has been classified as a Variant of Uncertain Significance.

NM_001184880.2(PCDH19):c.793C>T (p.Pro265Ser)

Gene: PCDH19 (protocadherin 19; minus strand). Cytogenetic location: Xq22.1.
Variant type: single nucleotide variant.
Coding change: c.793C>T on transcript NM_001184880.2 (MANE Select); coding-DNA position 793, C replaced by T.
Protein change: p.Pro265Ser; replaces proline 265 with serine.
Molecular consequence: missense variant.
Genome position (GRCh38, 1-based): chrX:100,407,805, G>A on the plus strand (C>T on the coding strand, the complement: PCDH19 is on the minus strand). VCF-style: chrX-100407805-G-A. GRCh37 (hg19) VCF-style: chrX-99662803-G-A.
Other names: c.793C>T, p.Pro265Ser (NM_001105243.2, NM_020766.3); short protein forms P265S.
Identifiers: ClinVar variation 2697695 (VCV002697695.3), dbSNP rs2520989721, ClinGen allele CA414008088.